The following is an entry in ClinVar:

ClinVar aggregate classification (germline): Uncertain significance (1 of 4 stars; one submission).

Conditions:
Generalized epilepsy with febrile seizures plus, type 7 (GEFSP7). Also called: GEFS+, TYPE 7. Identifiers: Orphanet 36387, MedGen C2751778, MONDO:0013470, OMIM 613863.
Neuropathy, hereditary sensory and autonomic, type 2A (HSAN2A). Also called: ACROOSTEOLYSIS, GIACCAI TYPE; ACROOSTEOLYSIS, NEUROGENIC; WNK1-Related HSAN2 (HSAN2A); HSAN IIA; MORVAN DISEASE; NEUROPATHY, CONGENITAL SENSORY. Identifiers: Orphanet 970, MedGen C2752089, MONDO:0024309, OMIM 201300.

Submission:

Labcorp Genetics (formerly Invitae), Labcorp
Classification: Uncertain significance for Neuropathy, hereditary sensory and autonomic, type 2A; Generalized epilepsy with febrile seizures plus, type 7. Last evaluated: 2022-10-07. Review status: criteria provided, single submitter. Criteria: Invitae Variant Classification Sherloc (09022015). Collection method: clinical testing. Allele origin: germline.
Comment: In summary, the available evidence is currently insufficient to determine the role of this variant in disease. Therefore, it has been classified as a Variant of Uncertain Significance. This sequence change replaces leucine, which is neutral and non-polar, with glutamine, which is neutral and polar, at codon 1693 of the SCN9A protein (p.Leu1693Gln). This variant is not present in population databases (gnomAD no frequency). This variant has not been reported in the literature in individuals affected with SCN9A-related conditions. Algorithms developed to predict the effect of missense changes on protein structure and function (SIFT, PolyPhen-2, Align-GVGD) all suggest that this variant is likely to be disruptive.

NM_001365536.1(SCN9A):c.5111T>A (p.Leu1704Gln)

Genes: SCN9A (sodium voltage-gated channel alpha subunit 9; minus strand), SCN1A-AS1 (SCN1A and SCN9A antisense RNA 1; plus strand). Cytogenetic location: 2q24.3.
Variant type: single nucleotide variant.
Coding change: c.5111T>A on transcript NM_001365536.1 (MANE Select); coding-DNA position 5111, T replaced by A.
Protein change: p.Leu1704Gln; replaces leucine 1704 with glutamine.
Molecular consequence: missense variant.
Genome position (GRCh38, 1-based): chr2:166,199,528, A>T on the plus strand (T>A on the coding strand, the complement: SCN9A is on the minus strand). VCF-style: chr2-166199528-A-T. GRCh37 (hg19) VCF-style: chr2-167056038-A-T.
Other names: c.5078T>A, p.Leu1693Gln (NM_002977.4); short protein forms L1693Q, L1704Q.
Identifiers: ClinVar variation 1721115 (VCV001721115.6), dbSNP rs2468877939, ClinGen allele CA349054665.